The following is an entry in ClinVar:

NM_001377.3(DYNC2H1):c.5673T>C (p.Asn1891=)

Gene: DYNC2H1 (dynein cytoplasmic 2 heavy chain 1; plus strand). Cytogenetic location: 11q22.3.
Variant type: single nucleotide variant.
Coding change: c.5673T>C on transcript NM_001377.3 (MANE Select); coding-DNA position 5673, T replaced by C.
Protein change: p.Asn1891=; no amino-acid change (asparagine 1891 retained).
Molecular consequence: synonymous variant.
Genome position (GRCh38, 1-based): chr11:103,174,169, T>C. VCF-style: chr11-103174169-T-C. GRCh37 (hg19) VCF-style: chr11-103044898-T-C.
Other names: c.5673T>C, p.Asn1891= (NM_001080463.2).
Identifiers: ClinVar variation 515208 (VCV000515208.1), dbSNP rs1197246634, ClinGen allele CA476607780.

ClinVar aggregate classification (germline): Likely benign (1 of 4 stars; one submission).

Allele frequency attached by ClinVar (database versions not stated): gnomAD exomes below 0.00001 and 0.00001.
gnomAD v4.1: 4 of 1,555,818 alleles (0.00026%); highest among the groups gnomAD compares: East Asian, 0.0094%; no homozygotes.

Submission:

GeneDx
Classification: Likely benign. Last evaluated: 2018-02-06. Review status: criteria provided, single submitter. Criteria: GeneDx Variant Classification (06012015). Collection method: clinical testing. Allele origin: germline. Affected: yes.
Comment: This variant is considered likely benign or benign based on one or more of the following criteria: it is a conservative change, it occurs at a poorly conserved position in the protein, it is predicted to be benign by multiple in silico algorithms, and/or has population frequency not consistent with disease.